The following is an entry in ClinVar:

ClinVar aggregate classification (germline): Uncertain significance. Review status: criteria provided, multiple submitters, no conflicts (2 of 4 stars). 2 submissions from 2 submitters: Uncertain significance (2). Last evaluated 2024-10-07.

Conditions:
Juvenile polyposis syndrome (JPS). Identifiers: Orphanet 2929, MedGen C0345893, MONDO:0017380, OMIM 174900.
Familial thoracic aortic aneurysm and aortic dissection (TAAD). Also called: Thoracic aortic aneurysms and dissections. Identifiers: Orphanet 91387, MedGen C4707243, MONDO:0019625.
Hereditary cancer-predisposing syndrome. Also called: Hereditary Cancer Syndrome; Tumor predisposition; Neoplastic Syndromes, Hereditary; Hereditary neoplastic syndrome. Identifiers: Orphanet 140162, MedGen C0027672, MeSH D009386, MONDO:0015356.

Submissions (2):

Labcorp Genetics (formerly Invitae), Labcorp
Classification: Uncertain significance for Juvenile polyposis syndrome. Last evaluated: 2024-10-07. Review status: criteria provided, single submitter. Criteria: Invitae Variant Classification Sherloc (09022015). Collection method: clinical testing. Allele origin: germline.
Comment: This sequence change replaces lysine, which is basic and polar, with arginine, which is basic and polar, at codon 37 of the SMAD4 protein (p.Lys37Arg). This variant is not present in population databases (gnomAD no frequency). This variant has not been reported in the literature in individuals affected with SMAD4-related conditions. Invitae Evidence Modeling of protein sequence and biophysical properties (such as structural, functional, and spatial information, amino acid conservation, physicochemical variation, residue mobility, and thermodynamic stability) has been performed for this missense variant. However, the output from this modeling did not meet the statistical confidence thresholds required to predict the impact of this variant on SMAD4 protein function. Experimental studies are conflicting or provide insufficient evidence to determine the effect of this variant on SMAD4 function (PMID: 25424420). In summary, the available evidence is currently insufficient to determine the role of this variant in disease. Therefore, it has been classified as a Variant of Uncertain Significance.

Ambry Genetics
Classification: Uncertain significance for Hereditary cancer-predisposing syndrome; Familial thoracic aortic aneurysm and aortic dissection. Last evaluated: 2023-11-20. Review status: criteria provided, single submitter. Criteria: Ambry Variant Classification Scheme 2023. Collection method: clinical testing. Allele origin: germline.
Comment: The p.K37R variant (also known as c.110A>G), located in coding exon 1 of the SMAD4 gene, results from an A to G substitution at nucleotide position 110. The lysine at codon 37 is replaced by arginine, an amino acid with highly similar properties. This amino acid position is highly conserved in available vertebrate species. In addition, the in silico prediction for this alteration is inconclusive. Since supporting evidence is limited at this time, the clinical significance of this alteration remains unclear.

Literature cited by the submitters: PubMed 25424420 (cited by Labcorp Genetics (formerly Invitae), Labcorp).

NM_005359.6(SMAD4):c.110A>G (p.Lys37Arg)

Gene: SMAD4 (SMAD family member 4; plus strand). Cytogenetic location: 18q21.2.
Variant type: single nucleotide variant.
Coding change: c.110A>G on transcript NM_005359.6 (MANE Select); coding-DNA position 110, A replaced by G.
Protein change: p.Lys37Arg; replaces lysine 37 with arginine.
Molecular consequence: missense variant. On other transcripts: non-coding transcript variant (2).
Genome position (GRCh38, 1-based): chr18:51,047,156, A>G. VCF-style: chr18-51047156-A-G. GRCh37 (hg19) VCF-style: chr18-48573526-A-G.
Other names: c.110A>G, p.Lys37Arg (NM_001407041.1, NM_001407042.1, NM_001407043.1); short protein forms K37R.
Identifiers: ClinVar variation 3238386 (VCV003238386.3), dbSNP rs2144400979.
Genomic context (GRCh38, chr18:51,047,156, plus strand): 5'-TGAGCATTGTGCATAGTTTGATGTGCCATAGACAAGGTGGAGAGAGTGAAACATTTGCAA[A>G]AAGAGCAATTGAAAGTTTGGTAAAGAAGCTGAAGGAGAAAAAAGATGAATTGGATTCTTT-3'
Protein context (NP_005350.1, residues 27-47): RQGGESETFA[Lys37Arg]RAIESLVKKL